The following is an entry in ClinVar:

NM_138694.4(PKHD1):c.5265_5266del (p.Phe1756fs)

Gene: PKHD1 (PKHD1 ciliary IPT domain containing fibrocystin/polyductin; minus strand). Cytogenetic location: 6p12.2.
Variant type: Microsatellite.
Coding change: c.5265_5266del on transcript NM_138694.4 (MANE Select); coding-DNA positions 5265 to 5266, 2 bases deleted (GT; older notation c.5265_5266delGT).
Protein change: p.Phe1756fs; shifts the reading frame from phenylalanine 1756.
Molecular consequence: frameshift variant.
Genome position (GRCh38, 1-based): chr6:52,022,915-52,022,916, AC deleted on the plus strand (GT on the coding strand, the reverse complement: PKHD1 is on the minus strand); deleting any 2 consecutive bases within chr6:52,022,915-52,022,919 gives the same sequence; the c. name uses the placement nearest the transcript's 3' end. VCF-style (leftmost placement, unchanged base first): chr6-52022914-AAC-A. GRCh37 (hg19) VCF-style: chr6-51887712-AAC-A.
Other names: c.5265_5266del, p.Phe1756fs (NM_170724.3); short protein forms F1756fs.
Identifiers: ClinVar variation 5013826 (VCV005013826.1).

ClinVar aggregate classification (germline): Pathogenic (1 of 4 stars; one submission).

Conditions:
Polycystic kidney disease 4 (PKD4). Also called: POLYCYSTIC KIDNEY AND HEPATIC DISEASE 1; POLYCYSTIC KIDNEY DISEASE, INFANTILE, TYPE I; POLYCYSTIC KIDNEY DISEASE 4 WITH OR WITHOUT POLYCYSTIC LIVER DISEASE; PKD3; Autosomal Recessive Polycystic Kidney Disease – PKHD1. Identifiers: MedGen C4540575, MONDO:0033004, OMIM 263200.

Submission:

Myriad Genetics, Inc.
Classification: Pathogenic for Polycystic kidney disease 4. Last evaluated: 2024-11-30. Review status: criteria provided, single submitter. Criteria: Myriad Autosomal Dominant, Autosomal Recessive and X-Linked Classification Criteria (2023). Collection method: clinical testing. Allele origin: unknown.
Comment: NM_138694.3(PKHD1):c.5265_5266delGT(F1756Wfs*23) is expected to be pathogenic in the context of autosomal recessive polycystic kidney disease, PKHD1-related. This variant is predicted to lead to an abnormal or absent protein product due to the creation of a premature termination codon in PKHD1, a gene where loss-of-function variants are known to be pathogenic. Please note: this variant was assessed in the context of healthy population screening.